The following is an entry in ClinVar:

NM_152672.6(SLC51A):c.609C>T (p.Pro203=)

Gene: SLC51A (solute carrier family 51 member A; plus strand). Cytogenetic location: 3q29.
Variant type: single nucleotide variant.
Coding change: c.609C>T on transcript NM_152672.6 (MANE Select); coding-DNA position 609, C replaced by T.
Protein change: p.Pro203=; no amino-acid change (proline 203 retained).
Molecular consequence: synonymous variant.
Genome position (GRCh38, 1-based): chr3:196,228,896, C>T. VCF-style: chr3-196228896-C-T. GRCh37 (hg19) VCF-style: chr3-195955767-C-T.
Identifiers: ClinVar variation 3051925 (VCV003051925.2), dbSNP rs144417558, ClinGen allele CA2779150.

ClinVar aggregate classification (germline): Likely benign (0 of 4 stars; one submission).

Conditions:
SLC51A-related disorder. Also called: SLC51A-related condition.

Allele frequency attached by ClinVar (database versions not stated): gnomAD exomes 0.00004; ExAC 0.00012; 1000 Genomes Project 30x 0.00016; 1000 Genomes Project 0.00020; TOPMed 0.00029; gnomAD 0.00030; ESP Exome Variant Server 0.00031.
gnomAD v4.1: 109 of 1,614,078 alleles (0.0068%); highest among the groups gnomAD compares: African/African-American, 0.1%; no homozygotes.

Submission:

PreventionGenetics, part of Exact Sciences
Classification: Likely benign for SLC51A-related condition. Last evaluated: 2022-04-15. Review status: no assertion criteria provided. Collection method: clinical testing. Allele origin: germline.
Comment: This variant is classified as likely benign based on ACMG/AMP sequence variant interpretation guidelines (Richards et al. 2015 PMID: 25741868, with internal and published modifications).